The following is an entry in ClinVar:

NM_015909.4(NBAS):c.640C>T (p.Leu214Phe)

Gene: NBAS (NBAS subunit of NRZ tethering complex; minus strand). Cytogenetic location: 2p24.3.
Variant type: single nucleotide variant.
Coding change: c.640C>T on transcript NM_015909.4 (MANE Select); coding-DNA position 640, C replaced by T.
Protein change: p.Leu214Phe; replaces leucine 214 with phenylalanine.
Molecular consequence: missense variant. On other transcripts: non-coding transcript variant (1).
Genome position (GRCh38, 1-based): chr2:15,536,425, G>A on the plus strand (C>T on the coding strand, the complement: NBAS is on the minus strand). VCF-style: chr2-15536425-G-A. GRCh37 (hg19) VCF-style: chr2-15676549-G-A.
Other names: short protein forms L214F.
Identifiers: ClinVar variation 3680707 (VCV003680707.1).

ClinVar aggregate classification (germline): Uncertain significance (1 of 4 stars; one submission).

gnomAD v4.1: 4 of 1,612,910 alleles (0.00025%); highest among the groups gnomAD compares: Non-Finnish European, 0.00034%; no homozygotes.

Submission:

Labcorp Genetics (formerly Invitae), Labcorp
Classification: Uncertain significance. Last evaluated: 2024-03-12. Review status: criteria provided, single submitter. Criteria: Invitae Variant Classification Sherloc (09022015). Collection method: clinical testing. Allele origin: germline.
Comment: This sequence change replaces leucine, which is neutral and non-polar, with phenylalanine, which is neutral and non-polar, at codon 214 of the NBAS protein (p.Leu214Phe). This variant is not present in population databases (gnomAD no frequency). This variant has not been reported in the literature in individuals affected with NBAS-related conditions. Advanced modeling of protein sequence and biophysical properties (such as structural, functional, and spatial information, amino acid conservation, physicochemical variation, residue mobility, and thermodynamic stability) performed at Invitae indicates that this missense variant is not expected to disrupt NBAS protein function with a negative predictive value of 95%. In summary, the available evidence is currently insufficient to determine the role of this variant in disease. Therefore, it has been classified as a Variant of Uncertain Significance.